The following is an entry in ClinVar:

ClinVar aggregate classification (germline): Uncertain significance (1 of 4 stars; one submission).

Conditions:
Cardiovascular phenotype. Identifiers: MedGen CN230736.

Submission:

Ambry Genetics
Classification: Uncertain significance for Cardiovascular phenotype. Last evaluated: 2021-11-22. Review status: criteria provided, single submitter. Criteria: Ambry Variant Classification Scheme 2023. Collection method: clinical testing. Allele origin: germline.
Comment: The p.E14K variant (also known as c.40G>A), located in coding exon 1 of the SOS2 gene, results from a G to A substitution at nucleotide position 40. The glutamic acid at codon 14 is replaced by lysine, an amino acid with similar properties. This amino acid position is conserved. In addition, the in silico prediction for this alteration is inconclusive. Since supporting evidence is limited at this time, the clinical significance of this alteration remains unclear.

NM_006939.4(SOS2):c.40G>A (p.Glu14Lys)

Genes: SOS2 (SOS Ras/Rho guanine nucleotide exchange factor 2; minus strand), LOC130055588 (ATAC-STARR-seq lymphoblastoid silent region 5718; plus strand). Cytogenetic location: 14q21.3.
Variant type: single nucleotide variant.
Coding change: c.40G>A on transcript NM_006939.4 (MANE Select); coding-DNA position 40, G replaced by A.
Protein change: p.Glu14Lys; replaces glutamic acid 14 with lysine.
Molecular consequence: missense variant.
Genome position (GRCh38, 1-based): chr14:50,231,244, C>T on the plus strand (G>A on the coding strand, the complement: SOS2 is on the minus strand). VCF-style: chr14-50231244-C-T. GRCh37 (hg19) VCF-style: chr14-50697962-C-T.
Other names: c.40G>A, p.Glu14Lys (NM_001411020.1); short protein forms E14K.
Identifiers: ClinVar variation 1737838 (VCV001737838.2), dbSNP rs2503346981, ClinGen allele CA389657556.